The following is an entry in ClinVar:

NM_001904.4(CTNNB1):c.1392C>G (p.Ala464=)

Genes: CTNNB1 (catenin beta 1; plus strand), LOC126806659 (BRD4-independent group 4 enhancer GRCh37_chr3:41274918-41276117; plus strand). Cytogenetic location: 3p22.1.
Variant type: single nucleotide variant.
Coding change: c.1392C>G on transcript NM_001904.4 (MANE Select); coding-DNA position 1392, C replaced by G.
Protein change: p.Ala464=; no amino-acid change (alanine 464 retained).
Molecular consequence: synonymous variant.
Genome position (GRCh38, 1-based): chr3:41,233,735, C>G. VCF-style: chr3-41233735-C-G. GRCh37 (hg19) VCF-style: chr3-41275226-C-G.
Other names: c.1392C>G, p.Ala464= (NM_001098209.2, NM_001098210.2); c.1371C>G, p.Ala457= (NM_001330729.2).
Identifiers: ClinVar variation 737546 (VCV000737546.22), dbSNP rs141678313, ClinGen allele CA2331073.

ClinVar aggregate classification (germline): Benign/Likely benign. Review status: criteria provided, multiple submitters, no conflicts (2 of 4 stars). 4 submissions from 4 submitters: Benign (1); Likely benign (3). Last evaluated 2026-02-03.

Allele frequency attached by ClinVar (database versions not stated): gnomAD exomes 0.00024 and 0.00045; ExAC 0.00026; gnomAD 0.00026 and 0.00028; TOPMed 0.00030; ESP Exome Variant Server 0.00054.
gnomAD v4.1: 674 of 1,613,960 alleles (0.042%); highest among the groups gnomAD compares: Non-Finnish European, 0.055%; 1 homozygote.

Submissions (4):

Labcorp Genetics (formerly Invitae), Labcorp
Classification: Likely benign. Last evaluated: 2026-02-03. Review status: criteria provided, single submitter. Criteria: Invitae Variant Classification Sherloc (09022015). Collection method: clinical testing. Allele origin: germline.

CeGaT Center for Human Genetics Tuebingen
Classification: Likely benign. Last evaluated: 2025-05-01. Review status: criteria provided, single submitter. Criteria: CeGaT Center For Human Genetics Tuebingen Variant Classification Criteria Version 2. Collection method: clinical testing. Allele origin: germline. Affected: yes. Observed: 1 variant allele.
Comment: CTNNB1: BP4, BP7, BS2

Blueprint Genetics
Classification: Likely benign. Last evaluated: 2024-09-26. Review status: criteria provided, single submitter. Criteria: ACMG Guidelines, 2015. Collection method: clinical testing. Allele origin: germline.

GeneDx
Classification: Benign. Last evaluated: 2020-02-03. Review status: criteria provided, single submitter. Criteria: GeneDx Variant Classification Process June 2021. Collection method: clinical testing. Allele origin: germline. Affected: yes.